The following is an entry in ClinVar:

ClinVar aggregate classification (germline): Conflicting classifications of pathogenicity. Review status: criteria provided, conflicting classifications (1 of 4 stars). 4 submissions from 4 submitters: Uncertain significance (3); Likely benign (1). Last evaluated 2026-07-06.

Conditions:
Combined oxidative phosphorylation deficiency. Identifiers: MedGen C4540031, MONDO:0000732.
Charcot-Marie-Tooth Neuropathy X. Identifiers: MedGen CN118851.
AIFM1-related disorder. Also called: AIFM1-related condition.

Allele frequency attached by ClinVar (database versions not stated): gnomAD exomes below 0.00001 and 0.00001; TOPMed 0.00003.
gnomAD v4.1: 7 of 1,212,060 alleles (0.00058%); highest among the groups gnomAD compares: Admixed American, 0.0022%; no homozygotes.

Submissions (4):

PreventionGenetics, part of Exact Sciences
Classification: Uncertain significance for AIFM1-related condition. Last evaluated: 2026-07-06. Review status: criteria provided, single submitter. Criteria: ACMG Guidelines, 2015. Collection method: clinical testing. Allele origin: germline.
Comment: The AIFM1 c.1631C>T variant is predicted to result in the amino acid substitution p.Pro544Leu. To our knowledge, this variant has not been reported in the literature. This variant is reported in 0.0036% of alleles in individuals of Latino descent in gnomAD. At this time, the clinical significance of this variant is uncertain due to the absence of conclusive functional and genetic evidence.

Blueprint Genetics
Classification: Likely benign. Last evaluated: 2023-07-10. Review status: criteria provided, single submitter. Criteria: ACMG Guidelines, 2015. Collection method: clinical testing. Allele origin: germline.

Labcorp Genetics (formerly Invitae), Labcorp
Classification: Uncertain significance for Charcot-Marie-Tooth Neuropathy X; Combined oxidative phosphorylation deficiency. Last evaluated: 2021-12-18. Review status: criteria provided, single submitter. Criteria: Invitae Variant Classification Sherloc (09022015). Collection method: clinical testing. Allele origin: germline.
Comment: This sequence change replaces proline, which is neutral and non-polar, with leucine, which is neutral and non-polar, at codon 544 of the AIFM1 protein (p.Pro544Leu). In summary, the available evidence is currently insufficient to determine the role of this variant in disease. Therefore, it has been classified as a Variant of Uncertain Significance. Advanced modeling of protein sequence and biophysical properties (such as structural, functional, and spatial information, amino acid conservation, physicochemical variation, residue mobility, and thermodynamic stability) performed at Invitae indicates that this missense variant is not expected to disrupt AIFM1 protein function. ClinVar contains an entry for this variant (Variation ID: 932191). This variant has not been reported in the literature in individuals affected with AIFM1-related conditions. This variant is not present in population databases (gnomAD no frequency).

Women's Health and Genetics/Laboratory Corporation of America, LabCorp
Classification: Uncertain significance. Last evaluated: 2020-05-15. Review status: criteria provided, single submitter. Criteria: LabCorp Variant Classification Summary - May 2015. Collection method: clinical testing. Allele origin: germline.
Comment: Variant summary: AIFM1 c.1631C>T (p.Pro544Leu) results in a non-conservative amino acid change located in the Mitochondrial apoptosis-inducing factor, C-terminal domain (IPR029324) of the encoded protein sequence. Three of five in-silico tools predict a benign effect of the variant on protein function. The variant allele was found at a frequency of 5.5e-06 in 183435 control chromosomes (gnomAD). The available data on variant occurrences in the general population are insufficient to allow any conclusion about variant significance. To our knowledge, no occurrence of c.1631C>T in individuals affected with AIFM1-Related Disorders and no experimental evidence demonstrating its impact on protein function have been reported. No clinical diagnostic laboratories have submitted clinical-significance assessments for this variant to ClinVar after 2014. Based on the evidence outlined above, the variant was classified as uncertain significance.

NM_004208.4(AIFM1):c.1631C>T (p.Pro544Leu)

Genes: AIFM1 (apoptosis inducing factor mitochondria associated 1; minus strand), RAB33A (RAB33A, member RAS oncogene family; plus strand). Cytogenetic location: Xq26.1.
Variant type: single nucleotide variant.
Coding change: c.1631C>T on transcript NM_004208.4 (MANE Select); coding-DNA position 1631, C replaced by T.
Protein change: p.Pro544Leu; replaces proline 544 with leucine.
Molecular consequence: missense variant. On other transcripts: 3 prime UTR variant (1), non-coding transcript variant (1).
Genome position (GRCh38, 1-based): chrX:130,130,109, G>A on the plus strand (C>T on the coding strand, the complement: AIFM1 is on the minus strand). VCF-style: chrX-130130109-G-A. GRCh37 (hg19) VCF-style: chrX-129264084-G-A.
Other names: c.614C>T, p.Pro205Leu (NM_001130846.4); c.*859C>T (NM_001130847.4); c.1619C>T, p.Pro540Leu (NM_145812.3); short protein forms P205L, P540L, P544L.
Identifiers: ClinVar variation 932191 (VCV000932191.8), dbSNP rs1569415383, ClinGen allele CA414569092.